The following is an entry in ClinVar:

ClinVar aggregate classification (germline): Uncertain significance (1 of 4 stars; one submission).

Conditions:
Intellectual disability, autosomal recessive 53 (NEDHSCA). Also called: Mental retardation, autosomal recessive 53; GLYCOSYLPHOSPHATIDYLINOSITOL BIOSYNTHESIS DEFECT 13; NEURODEVELOPMENTAL DISORDER WITH OR WITHOUT HYPOTONIA, SEIZURES, AND CEREBELLAR ATROPHY. Identifiers: Orphanet 488635, MedGen C4310794, MONDO:0014832, OMIM 616917.

Allele frequency attached by ClinVar (database versions not stated): gnomAD exomes below 0.00001.
gnomAD v4.1: 13 of 1,614,046 alleles (0.00081%); highest among the groups gnomAD compares: African/African-American, 0.0013%; 1 homozygote.

Submission:

Labcorp Genetics (formerly Invitae), Labcorp
Classification: Uncertain significance for Intellectual disability, autosomal recessive 53. Last evaluated: 2022-08-31. Review status: criteria provided, single submitter. Criteria: Invitae Variant Classification Sherloc (09022015). Collection method: clinical testing. Allele origin: germline.
Comment: This sequence change replaces glutamine, which is neutral and polar, with leucine, which is neutral and non-polar, at codon 347 of the PIGG protein (p.Gln347Leu). This variant is present in population databases (no rsID available, gnomAD 0.007%). This variant has not been reported in the literature in individuals affected with PIGG-related conditions. ClinVar contains an entry for this variant (Variation ID: 1036163). Algorithms developed to predict the effect of missense changes on protein structure and function are either unavailable or do not agree on the potential impact of this missense change (SIFT: "Tolerated"; PolyPhen-2: "Possibly Damaging"; Align-GVGD: "Class C0"). In summary, the available evidence is currently insufficient to determine the role of this variant in disease. Therefore, it has been classified as a Variant of Uncertain Significance.

NM_001127178.3(PIGG):c.1040A>T (p.Gln347Leu)

Gene: PIGG (phosphatidylinositol glycan anchor biosynthesis class G (EMM blood group); plus strand). Cytogenetic location: 4p16.3.
Variant type: single nucleotide variant.
Coding change: c.1040A>T on transcript NM_001127178.3 (MANE Select); coding-DNA position 1040, A replaced by T.
Protein change: p.Gln347Leu; replaces glutamine 347 with leucine.
Molecular consequence: missense variant. On other transcripts: 5 prime UTR variant (3), non-coding transcript variant (10).
Genome position (GRCh38, 1-based): chr4:516,111, A>T. VCF-style: chr4-516111-A-T. GRCh37 (hg19) VCF-style: chr4-509900-A-T.
Other names: c.773A>T, p.Gln258Leu (NM_001289051.2, NM_001289053.2, NM_001289057.2 and 2 more transcripts); c.641A>T, p.Gln214Leu (NM_001289052.2); c.674A>T, p.Gln225Leu (NM_001289055.2); c.11A>T, p.Gln4Leu (NM_001345988.2); c.1040A>T, p.Gln347Leu (NM_001345989.2, NM_017733.5); c.-586A>T (NM_001345990.2); c.-448A>T (NM_001345991.2); c.-173A>T (NM_001345994.2); short protein forms Q214L, Q258L, Q347L, Q4L, Q225L.
Identifiers: ClinVar variation 1036163 (VCV001036163.2), dbSNP rs1372573213, ClinGen allele CA355902070.